The following is an entry in ClinVar:

NM_007215.4(POLG2):c.1105A>G (p.Arg369Gly)

Genes: POLG2 (DNA polymerase gamma 2, accessory subunit; minus strand), MILR1 (mast cell immunoglobulin like receptor 1; plus strand). Cytogenetic location: 17q23.3.
Variant type: single nucleotide variant.
Coding change: c.1105A>G on transcript NM_007215.4 (MANE Select); coding-DNA position 1105, A replaced by G.
Protein change: p.Arg369Gly; replaces arginine 369 with glycine.
Molecular consequence: missense variant.
Genome position (GRCh38, 1-based): chr17:64,485,733, T>C on the plus strand (A>G on the coding strand, the complement: POLG2 is on the minus strand). VCF-style: chr17-64485733-T-C. GRCh37 (hg19) VCF-style: chr17-62481850-T-C.
Other names: p.R369G:AGA>GGA; short protein forms R369G.
Identifiers: ClinVar variation 40248 (VCV000040248.59), dbSNP rs201936720, ClinGen allele CA130800.

ClinVar aggregate classification (germline): Benign/Likely benign. Review status: criteria provided, multiple submitters, no conflicts (2 of 4 stars). 8 submissions from 8 submitters: Benign (4); Likely benign (2). 2 of the submissions do not count toward it. Last evaluated 2026-08-01.

Conditions:
POLG2-related disorder. Also called: POLG2-related disorders; POLG2-related condition.
Hereditary spastic paraplegia. Also called: Familial spastic paraparesis. Identifiers: Orphanet 685, MedGen C0037773, MONDO:0019064. Disease mechanism: loss of function.
Progressive external ophthalmoplegia with mitochondrial DNA deletions, autosomal dominant 4. Also called: PROGRESSIVE EXTERNAL OPHTHALMOPLEGIA, AUTOSOMAL DOMINANT 4. Identifiers: MedGen C1864668, MONDO:0012415, OMIM 610131.

Allele frequency attached by ClinVar (database versions not stated): 1000 Genomes Project 30x 0.00671; gnomAD 0.00082 and 0.00002; ExAC 0.00332; TOPMed 0.00015; gnomAD exomes 0.00296; 1000 Genomes Project 0.00719.
gnomAD v4.1: 2,091 of 1,612,420 alleles (0.13%); highest among the groups gnomAD compares: South Asian, 2.1%; 30 homozygotes.

Submissions (8):

CeGaT Center for Human Genetics Tuebingen
Classification: Benign. Last evaluated: 2026-08-01. Review status: criteria provided, single submitter. Criteria: CeGaT Center For Human Genetics Tuebingen Variant Classification Criteria Version 2. Collection method: clinical testing. Allele origin: germline. Affected: yes. Observed: 3 variant alleles.
Comment: POLG2: BS1, BS2

Labcorp Genetics (formerly Invitae), Labcorp
Classification: Benign. Last evaluated: 2026-01-01. Review status: criteria provided, single submitter. Criteria: Invitae Variant Classification Sherloc (09022015). Collection method: clinical testing. Allele origin: germline.

Genome Diagnostics Laboratory, The Hospital for Sick Children
Classification: Likely benign for Hereditary spastic paraplegia. Last evaluated: 2021-09-20. Review status: criteria provided, single submitter. Criteria: ACMG Guidelines, 2015. Collection method: clinical testing. Allele origin: germline. Affected: yes.

GeneDx
Classification: Benign. Last evaluated: 2018-11-08. Review status: criteria provided, single submitter. Criteria: GeneDx Variant Classification Process June 2021. Collection method: clinical testing. Allele origin: germline. Affected: yes.
Comment: This variant is associated with the following publications: (PMID: 29625556, 22155748, 21555342, 27535533, 26123486, 31664448)

Illumina Laboratory Services, Illumina
Classification: Likely benign for Progressive external ophthalmoplegia with mitochondrial DNA deletions, autosomal dominant 4. Last evaluated: 2017-04-27. Review status: criteria provided, single submitter. Criteria: ICSL Variant Classification Criteria 13 December 2019. Collection method: clinical testing. Allele origin: germline.
Comment: This variant was observed as part of a predisposition screen in an ostensibly healthy population. A literature search was performed for the gene, cDNA change, and amino acid change (where applicable). Publications were found based on this search. The evidence from the literature, in combination with allele frequency data from public databases where available, was sufficient to determine this variant is unlikely to cause disease. Therefore, this variant is classified as likely benign.

Broad Center for Mendelian Genomics, Broad Institute of MIT and Harvard
Classification: Benign for Progressive external ophthalmoplegia with mitochondrial DNA deletions, autosomal dominant 4. Review status: criteria provided, single submitter. Criteria: ACMG Guidelines, 2015. Collection method: research. Allele origin: germline. Inheritance: Autosomal dominant inheritance. Affected: yes.
Comment: The heterozygous p.Arg369Gly variant in POLG2 has been identified in 2 individuals with mitochondrial disease (PMID: 21555342, 22155748), and has been identified in >2% of South Asian chromosomes and 12 homozygotes by ExAC. In vitro functional studies provide some evidence that the p.Arg369Gly variant may slightly impact protein function (PMID: 21555342, 22155748). However, these types of assays may not accurately represent biological function. In summary, this variant meets criteria to be classified as benign for autosomal dominant mitochondrial disease.

PreventionGenetics, part of Exact Sciences
Classification: Benign for POLG2-related condition. Last evaluated: 2019-07-19. Review status: no assertion criteria provided. Collection method: clinical testing. Allele origin: germline. Not counted in ClinVar's aggregate classification.
Comment: This variant is classified as benign based on ACMG/AMP sequence variant interpretation guidelines (Richards et al. 2015 PMID: 25741868, with internal and published modifications).

OMIM
Classification: Uncertain significance for RECLASSIFIED - VARIANT OF UNKNOWN SIGNIFICANCE. Last evaluated: 2011-08-01. Review status: no assertion criteria provided. Collection method: literature only. Allele origin: germline. Not counted in ClinVar's aggregate classification.

Literature cited by the submitters: PubMed 22155748 (cited by Illumina Laboratory Services, Illumina and Broad Center for Mendelian Genomics, Broad Institute of MIT and Harvard); PubMed 22176657 (cited by Illumina Laboratory Services, Illumina); PubMed 23596069 (cited by Illumina Laboratory Services, Illumina); PubMed 26251896 (cited by Illumina Laboratory Services, Illumina); PubMed 26123486 (cited by Illumina Laboratory Services, Illumina); PubMed 23197651 (cited by Illumina Laboratory Services, Illumina); PubMed 21555342 (cited by 3 submitters); PubMed 27535533 (cited by OMIM).